The following is an entry in ClinVar:

NM_000497.4(CYP11B1):c.*1288A>G

Gene: CYP11B1 (cytochrome P450 family 11 subfamily B member 1; minus strand). Cytogenetic location: 8q24.3.
Variant type: single nucleotide variant.
Coding change: c.*1288A>G on transcript NM_000497.4 (MANE Select); 1288 bases downstream of the stop codon, A replaced by G.
Molecular consequence: 3 prime UTR variant.
Genome position (GRCh38, 1-based): chr8:142,873,085, T>C on the plus strand (A>G on the coding strand, the complement: CYP11B1 is on the minus strand). VCF-style: chr8-142873085-T-C. GRCh37 (hg19) VCF-style: chr8-143954501-T-C.
Other names: c.*1288A>G (NM_001026213.1).
Identifiers: ClinVar variation 362115 (VCV000362115.6), dbSNP rs61752809, ClinGen allele CA10627284.

ClinVar aggregate classification (germline): Benign. Review status: criteria provided, multiple submitters, no conflicts (2 of 4 stars). 3 submissions from 2 submitters: Benign (3). Last evaluated 2018-01-12.

Conditions:
Deficiency of steroid 11-beta-monooxygenase (CYP11B1). Also called: ADRENAL HYPERPLASIA, CONGENITAL, DUE TO STEROID 11-BETA-HYDROXYLASE DEFICIENCY; 11-BETA-HYDROXYLASE DEFICIENCY; ADRENAL HYPERPLASIA IV; P450C11B1 DEFICIENCY; STEROID 11-BETA-HYDROXYLASE DEFICIENCY; Congenital adrenal hyperplasia due to 11-beta-hydroxylase deficiency. Identifiers: Orphanet 90795, MedGen C0268292, MONDO:0008729, OMIM 202010. Disease mechanism: loss of function.
Glucocorticoid-remediable aldosteronism. Also called: Hyperaldosteronism, familial, type I; ACTH-DEPENDENT HYPERALDOSTERONISM SYNDROME; ALDOSTERONISM, SENSITIVE TO DEXAMETHASONE; FH I; GLUCOCORTICOID-SUPPRESSIBLE HYPERALDOSTERONISM. Identifiers: Orphanet 403, MedGen C3838731, MONDO:0007080, OMIM 103900.

Allele frequency attached by ClinVar (database versions not stated): gnomAD exomes 0.04545; 1000 Genomes Project 0.12121; gnomAD 0.13081 and 0.13519; 1000 Genomes Project 30x 0.13117; TOPMed 0.13477.

Submissions (3):

Illumina Laboratory Services, Illumina
Classification: Benign for Glucocorticoid-remediable aldosteronism. Last evaluated: 2018-01-12. Review status: criteria provided, single submitter. Criteria: ICSL Variant Classification Criteria 13 December 2019. Collection method: clinical testing. Allele origin: germline.
Comment: This variant was observed in the ICSL laboratory as part of a predisposition screen in an ostensibly healthy population. It had not been previously curated by ICSL or reported in the Human Gene Mutation Database (HGMD: prior to June 1st, 2018), and was therefore a candidate for classification through an automated scoring system. Utilizing variant allele frequency, disease prevalence and penetrance estimates, and inheritance mode, an automated score was calculated to assess if this variant is too frequent to cause the disease. Based on the score and internal cut-off values, a variant classified as benign is not then subjected to further curation. The score for this variant resulted in a classification of benign for this disease.

Illumina Laboratory Services, Illumina
Classification: Benign for Deficiency of steroid 11-beta-monooxygenase. Last evaluated: 2018-01-12. Review status: criteria provided, single submitter. Criteria: ICSL Variant Classification Criteria 13 December 2019. Collection method: clinical testing. Allele origin: germline.
Comment: the same text as in the submission from Illumina Laboratory Services, Illumina above.

Breakthrough Genomics
Classification: Benign. Review status: criteria provided, single submitter. Criteria: ACMG Guidelines, 2015. Collection method: not provided. Allele origin: germline. Inheritance: Autosomal recessive inheritance. Affected: yes.